The following is an entry in ClinVar:

NM_016180.5(SLC45A2):c.855G>A (p.Met285Ile)

Gene: SLC45A2 (solute carrier family 45 member 2; minus strand). Cytogenetic location: 5p13.2.
Variant type: single nucleotide variant.
Coding change: c.855G>A on transcript NM_016180.5 (MANE Select); coding-DNA position 855, G replaced by A.
Protein change: p.Met285Ile; replaces methionine 285 with isoleucine.
Molecular consequence: missense variant. On other transcripts: intron variant (1).
Genome position (GRCh38, 1-based): chr5:33,963,724, C>T on the plus strand (G>A on the coding strand, the complement: SLC45A2 is on the minus strand). VCF-style: chr5-33963724-C-T. GRCh37 (hg19) VCF-style: chr5-33963829-C-T.
Other names: c.855G>A, p.Met285Ile (NM_001012509.4); c.563-9220G>A (NM_001297417.4); short protein forms M285I.
Identifiers: ClinVar variation 1511627 (VCV001511627.3), dbSNP rs756574797, ClinGen allele CA3225683.

ClinVar aggregate classification (germline): Uncertain significance (1 of 4 stars; one submission).

Allele frequency attached by ClinVar (database versions not stated): gnomAD 0.00005.

Submission:

Labcorp Genetics (formerly Invitae), Labcorp
Classification: Uncertain significance. Last evaluated: 2022-08-15. Review status: criteria provided, single submitter. Criteria: Invitae Variant Classification Sherloc (09022015). Collection method: clinical testing. Allele origin: germline.
Comment: This sequence change replaces methionine, which is neutral and non-polar, with isoleucine, which is neutral and non-polar, at codon 285 of the SLC45A2 protein (p.Met285Ile). This variant is present in population databases (rs756574797, gnomAD 0.008%). This variant has not been reported in the literature in individuals affected with SLC45A2-related conditions. ClinVar contains an entry for this variant (Variation ID: 1511627). Algorithms developed to predict the effect of missense changes on protein structure and function (SIFT, PolyPhen-2, Align-GVGD) all suggest that this variant is likely to be tolerated. In summary, the available evidence is currently insufficient to determine the role of this variant in disease. Therefore, it has been classified as a Variant of Uncertain Significance.